The following is an entry in ClinVar:

NM_002863.5(PYGL):c.2014A>C (p.Thr672Pro)

Gene: PYGL (glycogen phosphorylase L; minus strand). Cytogenetic location: 14q22.1.
Variant type: single nucleotide variant.
Coding change: c.2014A>C on transcript NM_002863.5 (MANE Select); coding-DNA position 2014, A replaced by C.
Protein change: p.Thr672Pro; replaces threonine 672 with proline.
Molecular consequence: missense variant.
Genome position (GRCh38, 1-based): chr14:50,910,058, T>G on the plus strand (A>C on the coding strand, the complement: PYGL is on the minus strand). VCF-style: chr14-50910058-T-G. GRCh37 (hg19) VCF-style: chr14-51376776-T-G.
Other names: c.1912A>C, p.Thr638Pro (NM_001163940.2); short protein forms T638P, T672P.
Identifiers: ClinVar variation 1363739 (VCV001363739.6), dbSNP rs1241000496, ClinGen allele CA389682626.

ClinVar aggregate classification (germline): Uncertain significance (1 of 4 stars; one submission).

Conditions:
Glycogen storage disease, type VI (GSD6). Also called: GSD VI; Glycogen storage disease type 6, due to phosphorylation; Glycogen storage disease type 6; Hepatic glycogen phosphorylase deficiency; HERS DISEASE; PHOSPHORYLASE DEFICIENCY GLYCOGEN-STORAGE DISEASE OF LIVER. Identifiers: Orphanet 369, MedGen C0017925, MONDO:0009294, OMIM 232700.

Allele frequency attached by ClinVar (database versions not stated): TOPMed below 0.00001.
gnomAD v4.1: 1 of 1,614,188 alleles (0.000062%); highest among the groups gnomAD compares: Non-Finnish European, 0.000085%; no homozygotes.

Submission:

Labcorp Genetics (formerly Invitae), Labcorp
Classification: Uncertain significance for Glycogen storage disease, type VI. Last evaluated: 2023-06-29. Review status: criteria provided, single submitter. Criteria: Invitae Variant Classification Sherloc (09022015). Collection method: clinical testing. Allele origin: germline.
Comment: In summary, the available evidence is currently insufficient to determine the role of this variant in disease. Therefore, it has been classified as a Variant of Uncertain Significance. Advanced modeling of protein sequence and biophysical properties (such as structural, functional, and spatial information, amino acid conservation, physicochemical variation, residue mobility, and thermodynamic stability) performed at Invitae indicates that this missense variant is expected to disrupt PYGL protein function. This sequence change replaces threonine, which is neutral and polar, with proline, which is neutral and non-polar, at codon 672 of the PYGL protein (p.Thr672Pro). ClinVar contains an entry for this variant (Variation ID: 1363739). This variant has not been reported in the literature in individuals affected with PYGL-related conditions. This variant is not present in population databases (gnomAD no frequency).